The following is an entry in ClinVar:

ClinVar aggregate classification (germline): Uncertain significance. Review status: criteria provided, multiple submitters, no conflicts (2 of 4 stars). 2 submissions from 2 submitters: Uncertain significance (2). Last evaluated 2022-06-04.

Conditions:
Spermatogenic failure 18. Identifiers: MedGen C4539783, MONDO:0054615, OMIM 617576.
Ciliary dyskinesia, primary, 37 (CILD37). Also called: CILIARY DYSKINESIA, PRIMARY, 37, WITH OR WITHOUT SITUS INVERSUS. Identifiers: MedGen C4539798, MONDO:0033204, OMIM 617577.

Allele frequency attached by ClinVar (database versions not stated): TOPMed 0.00008.
gnomAD v4.1: 137 of 1,594,944 alleles (0.0086%); highest among the groups gnomAD compares: Non-Finnish European, 0.011%; no homozygotes.

Submissions (2):

Labcorp Genetics (formerly Invitae), Labcorp
Classification: Uncertain significance for Ciliary dyskinesia, primary, 37; Spermatogenic failure 18. Last evaluated: 2022-06-04. Review status: criteria provided, single submitter. Criteria: Invitae Variant Classification Sherloc (09022015). Collection method: clinical testing. Allele origin: germline.
Comment: This sequence change replaces alanine, which is neutral and non-polar, with threonine, which is neutral and polar, at codon 2599 of the DNAH1 protein (p.Ala2599Thr). The frequency data for this variant in the population databases is considered unreliable, as metrics indicate poor data quality at this position in the gnomAD database. This variant has not been reported in the literature in individuals affected with DNAH1-related conditions. ClinVar contains an entry for this variant (Variation ID: 583072). Algorithms developed to predict the effect of missense changes on protein structure and function output the following: SIFT: "Deleterious"; PolyPhen-2: "Possibly Damaging"; Align-GVGD: "Class C0". The threonine amino acid residue is found in multiple mammalian species, which suggests that this missense change does not adversely affect protein function. In summary, the available evidence is currently insufficient to determine the role of this variant in disease. Therefore, it has been classified as a Variant of Uncertain Significance.

Ambry Genetics
Classification: Uncertain significance. Last evaluated: 2021-07-14. Review status: criteria provided, single submitter. Criteria: Ambry Variant Classification Scheme 2023. Collection method: clinical testing. Allele origin: germline.

NM_015512.5(DNAH1):c.7795G>A (p.Ala2599Thr)

Gene: DNAH1 (dynein axonemal heavy chain 1; plus strand). Cytogenetic location: 3p21.1.
Variant type: single nucleotide variant.
Coding change: c.7795G>A on transcript NM_015512.5 (MANE Select); coding-DNA position 7795, G replaced by A.
Protein change: p.Ala2599Thr; replaces alanine 2599 with threonine.
Molecular consequence: missense variant.
Genome position (GRCh38, 1-based): chr3:52,381,826, G>A. VCF-style: chr3-52381826-G-A. GRCh37 (hg19) VCF-style: chr3-52415842-G-A.
Other names: short protein forms A2599T.
Identifiers: ClinVar variation 583072 (VCV000583072.4), dbSNP rs377213436, ClinGen allele CA2434970.